The following is an entry in ClinVar:

ClinVar aggregate classification (germline): Likely pathogenic (1 of 4 stars; one submission).

Conditions:
Autosomal recessive congenital ichthyosis 3 (ARCI3). Also called: ICHTHYOSIS, LAMELLAR, 5. Identifiers: MedGen C3539888, MONDO:0011680, OMIM 606545.

Submission:

Clinical Genomics Laboratory, Washington University in St. Louis
Classification: Likely pathogenic for Autosomal recessive congenital ichthyosis 3. Last evaluated: 2024-10-13. Review status: criteria provided, single submitter. Criteria: ACMG Guidelines, 2015. Collection method: clinical testing. Allele origin: germline. Affected: yes.
Comment: The ALOXE3 c.265_266del (p.Val89Hisfs*6) variant, to our knowledge, has not been reported in the medical literature. This variant causes a frameshift by deleting two nucleotides, leading to a premature termination codon, which is predicted to lead to nonsense mediated decay. This variant is absent from the general population (gnomAD v.2.1.1), indicating it is not a common variant. Based on available information and the ACMG/AMP guidelines for variant interpretation (Richards S et al., PMID: 25741868), this variant is classified as likely pathogenic.

NM_021628.3(ALOXE3):c.265_266del (p.Val89fs)

Gene: ALOXE3 (arachidonate epidermal lipoxygenase 3; minus strand). Cytogenetic location: 17p13.1.
Variant type: Microsatellite.
Coding change: c.265_266del on transcript NM_021628.3 (MANE Select); coding-DNA positions 265 to 266, 2 bases deleted (GT; older notation c.265_266delGT).
Protein change: p.Val89fs; shifts the reading frame from valine 89.
Molecular consequence: frameshift variant.
Genome position (GRCh38, 1-based): chr17:8,116,862-8,116,863, AC deleted on the plus strand (GT on the coding strand, the reverse complement: ALOXE3 is on the minus strand); deleting any 2 consecutive bases within chr17:8,116,862-8,116,866 gives the same sequence; the c. name uses the placement nearest the transcript's 3' end. VCF-style (leftmost placement, unchanged base first): chr17-8116861-GAC-G. GRCh37 (hg19) VCF-style: chr17-8020179-GAC-G.
Other names: c.661_662del, p.Val221fs (NM_001165960.1); c.265_266del, p.Val89fs (NM_001369446.1); short protein forms V221fs, V89fs.
Identifiers: ClinVar variation 3602602 (VCV003602602.1).